The following is an entry in ClinVar:

ClinVar aggregate classification (germline): Uncertain significance (1 of 4 stars; one submission).

Allele frequency attached by ClinVar (database versions not stated): gnomAD 0.00001; gnomAD exomes 0.00001; ExAC 0.00002; TOPMed 0.00002; ESP Exome Variant Server 0.00008.
gnomAD v4.1: 15 of 1,613,580 alleles (0.00093%); highest among the groups gnomAD compares: Admixed American, 0.0017%; no homozygotes.

Submission:

Labcorp Genetics (formerly Invitae), Labcorp
Classification: Uncertain significance. Last evaluated: 2026-01-26. Review status: criteria provided, single submitter. Criteria: Invitae Variant Classification Sherloc (09022015). Collection method: clinical testing. Allele origin: germline.
Comment: This sequence change replaces glutamine, which is neutral and polar, with proline, which is neutral and non-polar, at codon 2170 of the COL7A1 protein (p.Gln2170Pro). This variant is present in population databases (rs374097021, gnomAD 0.003%). This variant has not been reported in the literature in individuals affected with COL7A1-related conditions. ClinVar contains an entry for this variant (Variation ID: 2160800). Invitae Evidence Modeling of protein sequence and biophysical properties (such as structural, functional, and spatial information, amino acid conservation, physicochemical variation, residue mobility, and thermodynamic stability) indicates that this missense variant is not expected to disrupt COL7A1 protein function with a negative predictive value of 95%. In summary, the available evidence is currently insufficient to determine the role of this variant in disease. Therefore, it has been classified as a Variant of Uncertain Significance.

NM_000094.4(COL7A1):c.6509A>C (p.Gln2170Pro)

Gene: COL7A1 (collagen type VII alpha 1 chain; minus strand). Cytogenetic location: 3p21.31.
Variant type: single nucleotide variant.
Coding change: c.6509A>C on transcript NM_000094.4 (MANE Select); coding-DNA position 6509, A replaced by C.
Protein change: p.Gln2170Pro; replaces glutamine 2170 with proline.
Molecular consequence: missense variant.
Genome position (GRCh38, 1-based): chr3:48,573,883, T>G on the plus strand (A>C on the coding strand, the complement: COL7A1 is on the minus strand). VCF-style: chr3-48573883-T-G. GRCh37 (hg19) VCF-style: chr3-48611316-T-G.
Other names: short protein forms Q2170P.
Identifiers: ClinVar variation 2160800 (VCV002160800.2), dbSNP rs374097021, ClinGen allele CA2378973.